The following is an entry in ClinVar:

NM_000183.3(HADHB):c.1389+4C>G

Gene: HADHB (hydroxyacyl-CoA dehydrogenase trifunctional multienzyme complex subunit beta; plus strand). Cytogenetic location: 2p23.3.
Variant type: single nucleotide variant.
Coding change: c.1389+4C>G on transcript NM_000183.3 (MANE Select); 4 bases into the intron after coding-DNA position 1389, C replaced by G.
Molecular consequence: intron variant.
Genome position (GRCh38, 1-based): chr2:26,285,575, C>G. VCF-style: chr2-26285575-C-G. GRCh37 (hg19) VCF-style: chr2-26508443-C-G.
Other names: c.1323+4C>G (NM_001281513.2); c.1344+4C>G (NM_001281512.2).
Identifiers: ClinVar variation 3048036 (VCV003048036.2), dbSNP rs192854755, ClinGen allele CA1239745880.

ClinVar aggregate classification (germline): Likely benign (0 of 4 stars; one submission).

Conditions:
HADHB-related disorder. Also called: HADHB-related condition.

gnomAD v4.1: 3 of 1,609,892 alleles (0.00019%); highest among the groups gnomAD compares: Middle Eastern, 0.017%; no homozygotes.

Submission:

PreventionGenetics, part of Exact Sciences
Classification: Likely benign for HADHB-related condition. Last evaluated: 2019-11-18. Review status: no assertion criteria provided. Collection method: clinical testing. Allele origin: germline.
Comment: This variant is classified as likely benign based on ACMG/AMP sequence variant interpretation guidelines (Richards et al. 2015 PMID: 25741868, with internal and published modifications).